The following is an entry in ClinVar:

ClinVar aggregate classification (germline): Uncertain significance (1 of 4 stars; one submission).

Conditions:
RASopathy. Also called: rasopathies; Noonan spectrum disorder. Identifiers: Orphanet 536391, MedGen C5555857, MONDO:0021060.

Submission:

Labcorp Genetics (formerly Invitae), Labcorp
Classification: Uncertain significance for RASopathy. Last evaluated: 2023-12-06. Review status: criteria provided, single submitter. Criteria: Invitae Variant Classification Sherloc (09022015). Collection method: clinical testing. Allele origin: germline.
Comment: This sequence change replaces aspartic acid, which is acidic and polar, with glutamic acid, which is acidic and polar, at codon 388 of the SHOC2 protein (p.Asp388Glu). This variant is not present in population databases (gnomAD no frequency). This variant has not been reported in the literature in individuals affected with SHOC2-related conditions. An algorithm developed to predict the effect of missense changes on protein structure and function (PolyPhen-2) suggests that this variant is likely to be tolerated. In summary, the available evidence is currently insufficient to determine the role of this variant in disease. Therefore, it has been classified as a Variant of Uncertain Significance.

NM_007373.4(SHOC2):c.1164C>A (p.Asp388Glu)

Gene: SHOC2 (SHOC2 leucine rich repeat scaffold protein; plus strand). Cytogenetic location: 10q25.2.
Variant type: single nucleotide variant.
Coding change: c.1164C>A on transcript NM_007373.4 (MANE Select); coding-DNA position 1164, C replaced by A.
Protein change: p.Asp388Glu; replaces aspartic acid 388 with glutamic acid.
Molecular consequence: missense variant. On other transcripts: non-coding transcript variant (1).
Genome position (GRCh38, 1-based): chr10:111,007,533, C>A. VCF-style: chr10-111007533-C-A. GRCh37 (hg19) VCF-style: chr10-112767291-C-A.
Other names: c.1026C>A, p.Asp342Glu (NM_001269039.3); c.1164C>A, p.Asp388Glu (NM_001324336.2, NM_001324337.2); short protein forms D342E, D388E.
Identifiers: ClinVar variation 2701279 (VCV002701279.3), dbSNP rs544426978, ClinGen allele CA378523303.